The following is an entry in ClinVar:

ClinVar aggregate classification (germline): Pathogenic (1 of 4 stars; one submission).

Conditions:
Weill-Marchesani syndrome 2, dominant. Also called: Weill-Marchesani Syndrome, Autosomal Dominant; FBN1-Related Weill-Marchesani Syndrome. Identifiers: Orphanet 2084, MedGen C1869115, MONDO:0012013, OMIM 608328.
Progeroid and marfanoid aspect-lipodystrophy syndrome. Also called: Marfan lipodystrophy syndrome; MARFANOID-PROGEROID SYNDROME; MARFAN-PROGEROID-LIPODYSTROPHY SYNDROME; MARFANOID-PROGEROID-LIPODYSTROPHY SYNDROME. Identifiers: Orphanet 300382, MedGen C4310796, MONDO:0014831, OMIM 616914.
Stiff skin syndrome (SSKS). Identifiers: Orphanet 2833, MedGen C1861456, MONDO:0008492, OMIM 184900.
Acromicric dysplasia (ACMICD). Also called: Acromicric skeletal dysplasia. Identifiers: Orphanet 969, MedGen C0265287, MONDO:0007055, OMIM 102370.
Geleophysic dysplasia 2 (GPHYSD2). Identifiers: Orphanet 2623, MedGen C3280054, MONDO:0013612, OMIM 614185.
Ectopia lentis 1, isolated, autosomal dominant (ECTOL1). Identifiers: Orphanet 1885, MedGen C3541518, MONDO:0007514, OMIM 129600.
Marfan syndrome (MFS). Also called: FBN1-Related Marfan Syndrome; Marfan syndrome type 1; Marfan's syndrome; Marfan syndrome, classic; MARFAN SYNDROME, TYPE I. Identifiers: Orphanet 284963, Orphanet 558, MedGen C0024796, MONDO:0007947, OMIM 154700.
MASS syndrome (OCTD). Also called: MASS PHENOTYPE; OVERLAP CONNECTIVE TISSUE DISEASE. Identifiers: MedGen C1858556, MONDO:0011431, OMIM 604308.

Submission:

Center for Genomics, Ann and Robert H. Lurie Children's Hospital of Chicago
Classification: Pathogenic for Geleophysic dysplasia 2; Weill-Marchesani syndrome 2, dominant; Ectopia lentis 1, isolated, autosomal dominant; MASS syndrome; Progeroid and marfanoid aspect-lipodystrophy syndrome; Acromicric dysplasia; Marfan syndrome; Stiff skin syndrome. Review status: criteria provided, single submitter. Criteria: ACMG Guidelines, 2015. Collection method: clinical testing. Allele origin: germline.
Comment: FBN1 NM_000138.4 exon 20 p.Cys769Glnfs*5 (c.2305_2315del): This variant has not been reported in the literature and is not present in large control databases. Evolutionary conservation and computational predictive tools for this variant are limited or unavailable. This variant is a deletion of 11 nucleotides and creates a premature stop codon 5 amino acids downstream from this location which results in an absent or abnormal protein. Loss of function variants are a known mechanism of disease for this gene (Dietz 2017 PMID: 20301510). Furthermore, this variant is predicted to affect a cysteine residue. Cysteine in the FBN1 gene is reported to have important functional relevance; variants that involve a cysteine residue are reported to be particularly significant (Dietz 2017 PMID: 20301510). In summary, this variant is classified as pathogenic.

NM_000138.5(FBN1):c.2305_2315del (p.Cys769fs)

Gene: FBN1 (fibrillin 1; minus strand). Cytogenetic location: 15q21.1.
Variant type: Deletion.
Coding change: c.2305_2315del on transcript NM_000138.5 (MANE Select); coding-DNA positions 2305 to 2315, 11 bases deleted (TGTGTACTGAA).
Protein change: p.Cys769fs; shifts the reading frame from cysteine 769.
Molecular consequence: frameshift variant.
Genome position (GRCh38, 1-based): chr15:48,496,204-48,496,214, TTCAGTACACA deleted on the plus strand (TGTGTACTGAA on the coding strand, the reverse complement: FBN1 is on the minus strand); deleting any 11 consecutive bases within chr15:48,496,204-48,496,218 gives the same sequence; the c. name uses the placement nearest the transcript's 3' end. VCF-style (leftmost placement, unchanged base first): chr15-48496203-GTTCAGTACACA-G. GRCh37 (hg19) VCF-style: chr15-48788400-GTTCAGTACACA-G.
Other names: short protein forms C769fs.
Identifiers: ClinVar variation 625943 (VCV000625943.3), dbSNP rs1566911957, ClinGen allele CA913190481.